The following is an entry in ClinVar:

ClinVar aggregate classification (germline): Conflicting classifications of pathogenicity. Review status: criteria provided, conflicting classifications (1 of 4 stars). 3 submissions from 3 submitters: Uncertain significance (1); Likely benign (1). 1 of the submissions does not count toward it. Last evaluated 2026-02-02.

Conditions:
Metachromatic leukodystrophy (MLD). Also called: Cerebral sclerosis diffuse metachromatic form; METACHROMATIC LEUKOENCEPHALOPATHY; SULFATIDE LIPIDOSIS; ARSA DEFICIENCY; CEREBROSIDE SULFATASE DEFICIENCY; Arylsulfatase A Deficiency. Identifiers: Orphanet 512, MedGen C0023522, MONDO:0018868, OMIM 250100.

Allele frequency attached by ClinVar (database versions not stated): gnomAD exomes 0.00009 and 0.00026; ExAC 0.00035; gnomAD 0.00088 and 0.00096; TOPMed 0.00095; 1000 Genomes Project 30x 0.00109; 1000 Genomes Project 0.00120; ESP Exome Variant Server 0.00138.

Submissions (3):

Labcorp Genetics (formerly Invitae), Labcorp
Classification: Likely benign for Metachromatic leukodystrophy. Last evaluated: 2026-02-02. Review status: criteria provided, single submitter. Criteria: Invitae Variant Classification Sherloc (09022015). Collection method: clinical testing. Allele origin: germline.

GeneDx
Classification: Uncertain significance. Last evaluated: 2021-09-27. Review status: criteria provided, single submitter. Criteria: GeneDx Variant Classification Process June 2021. Collection method: clinical testing. Allele origin: germline. Affected: yes.
Comment: Reported previously, as a variant that was predicted to be deleterious, in the heterozygous state in an individual with Parkinson disease; who also was heterozygous for variants in the PC and PRICKLE2 genes (Oluwole OG et al., 2020); In silico analysis supports that this missense variant has a deleterious effect on protein structure/function; Also known as p.(N440S); This variant is associated with the following publications: (PMID: 32019516)

Natera, Inc.
Classification: Likely benign for Metachromatic leukodystrophy. Last evaluated: 2020-04-30. Review status: no assertion criteria provided. Collection method: clinical testing. Allele origin: germline. Not counted in ClinVar's aggregate classification.

NM_000487.6(ARSA):c.1325A>G (p.Asn442Ser)

Gene: ARSA (arylsulfatase A; minus strand). Cytogenetic location: 22q13.33.
Variant type: single nucleotide variant.
Coding change: c.1325A>G on transcript NM_000487.6 (MANE Select); coding-DNA position 1325, A replaced by G.
Protein change: p.Asn442Ser; replaces asparagine 442 with serine.
Molecular consequence: missense variant.
Genome position (GRCh38, 1-based): chr22:50,625,350, T>C on the plus strand (A>G on the coding strand, the complement: ARSA is on the minus strand). VCF-style: chr22-50625350-T-C. GRCh37 (hg19) VCF-style: chr22-51063778-T-C.
Other names: c.1325A>G, p.Asn442Ser (NM_001085425.3, NM_001085426.3, NM_001085427.3); c.1067A>G, p.Asn356Ser (NM_001085428.3, NM_001362782.2); short protein forms N356S, N442S.
Identifiers: ClinVar variation 726836 (VCV000726836.14), dbSNP rs6151427, ClinGen allele CA10324747.